The following is an entry in ClinVar:

ClinVar aggregate classification (germline): Likely pathogenic (1 of 4 stars; one submission).

Conditions:
Hereditary breast ovarian cancer syndrome. Also called: Hereditary breast and ovarian cancer syndrome (HBOC); Hereditary breast and ovarian cancer syndrome; Breast and ovarian cancer; Hereditary breast and/or ovarian cancer syndrome; Hereditary breast and ovarian cancer; BRCA1- and BRCA2-Associated Hereditary Breast and Ovarian Cancer. Identifiers: Orphanet 145, MedGen C0677776, MeSH D061325, MONDO:0003582. Disease mechanism: loss of function.

Submission:

Labcorp Genetics (formerly Invitae), Labcorp
Classification: Likely pathogenic for Hereditary breast ovarian cancer syndrome. Last evaluated: 2017-03-21. Review status: criteria provided, single submitter. Criteria: Invitae Variant Classification Sherloc (09022015). Collection method: clinical testing. Allele origin: germline.
Comment: This variant is a gross duplication of the genomic region encompassing exons 12-13 of the BRCA2 gene. While the exact position of the duplicated exons cannot be determined from this data, the duplicated copy of this region is likely in tandem and may result in an absent or disrupted protein product. While this particular variant has not been reported in the literature, loss-of-function variants in BRCA2 are known to be pathogenic (PMID: 20104584). In summary, sub-genic duplications are generally in tandem (PMID: 25640679), and result in an absent or disrupted protein. However, the exact location of this duplication has not been confirmed. Therefore, it has been classified as Likely Pathogenic.

Single allele

Gene: BRCA2 (BRCA2 DNA repair associated; plus strand). Cytogenetic location: 13q13.1.
Variant type: Duplication.
Identifiers: ClinVar variation 462165 (VCV000462165.1).